The following is an entry in ClinVar:

NM_001365536.1(SCN9A):c.5735_5739del (p.Ile1912fs)

Genes: SCN9A (sodium voltage-gated channel alpha subunit 9; minus strand), SCN1A-AS1 (SCN1A and SCN9A antisense RNA 1; plus strand). Cytogenetic location: 2q24.3.
Variant type: Deletion.
Coding change: c.5735_5739del on transcript NM_001365536.1 (MANE Select); coding-DNA positions 5735 to 5739, 5 bases deleted (TATCA; older notation c.5735_5739delTATCA).
Protein change: p.Ile1912fs; shifts the reading frame from isoleucine 1912.
Molecular consequence: frameshift variant.
Genome position (GRCh38, 1-based): chr2:166,198,900-166,198,904, TGATA deleted on the plus strand (TATCA on the coding strand, the reverse complement: SCN9A is on the minus strand); deleting any 5 consecutive bases within chr2:166,198,900-166,198,905 gives the same sequence; the c. name uses the placement nearest the transcript's 3' end. VCF-style (leftmost placement, unchanged base first): chr2-166198899-TTGATA-T. GRCh37 (hg19) VCF-style: chr2-167055409-TTGATA-T.
Other names: c.5701_5705delATATC, p.Ile1901Lysfs (NM_002977.4); short protein forms I1901fs, I1912fs.
Identifiers: ClinVar variation 849194 (VCV000849194.8), dbSNP rs768125863, ClinGen allele CA1943622.
Genomic context (GRCh38, chr2:166,198,899, plus strand): 5'-AAGCCATATCTTTTTTATTGAGTAAATCATCATCTCTGTCTCCATCTTTTATGTATATAC[TTGATA>T]TATTTTTGACATTTTGCCTTAAGCGGTAACGTCTATAAGCACGCTGAATGACAGTAGCAG-3'

ClinVar aggregate classification (germline): Uncertain significance (1 of 4 stars; one submission).

Conditions:
Neuropathy, hereditary sensory and autonomic, type 2A (HSAN2A). Also called: ACROOSTEOLYSIS, GIACCAI TYPE; ACROOSTEOLYSIS, NEUROGENIC; HSAN IIA; NEUROPATHY, HEREDITARY SENSORY, TYPE IIA; NEUROPATHY, PROGRESSIVE SENSORY, OF CHILDREN; WNK1-Related HSAN2 (HSAN2A). Identifiers: Orphanet 970, MedGen C2752089, MONDO:0024309, OMIM 201300.
Generalized epilepsy with febrile seizures plus, type 7 (GEFSP7). Also called: GEFS+, TYPE 7. Identifiers: Orphanet 36387, MedGen C2751778, MONDO:0013470, OMIM 613863.

Submission:

Labcorp Genetics (formerly Invitae), Labcorp
Classification: Uncertain significance for Neuropathy, hereditary sensory and autonomic, type 2A; Generalized epilepsy with febrile seizures plus, type 7. Last evaluated: 2024-01-29. Review status: criteria provided, single submitter. Criteria: Invitae Variant Classification Sherloc (09022015). Collection method: clinical testing. Allele origin: germline.
Comment: This sequence change creates a premature translational stop signal (p.Ile1901Lysfs*11) in the SCN9A gene. While this is not anticipated to result in nonsense mediated decay, it is expected to disrupt the last 77 amino acid(s) of the SCN9A protein. This variant is present in population databases (rs768125863, gnomAD 0.08%). This premature translational stop signal has been observed in individual(s) with clinical features of autosomal dominant generalized epilepsy with febrile seizures (PMID: 29500686). ClinVar contains an entry for this variant (Variation ID: 849194). Experimental studies and prediction algorithms are not available or were not evaluated, and the functional significance of this variant is currently unknown. In summary, the available evidence is currently insufficient to determine the role of this variant in disease. Therefore, it has been classified as a Variant of Uncertain Significance.

Literature cited by the submitters: PubMed 29500686.